The following is an entry in ClinVar:

ClinVar aggregate classification (germline): Likely benign. Review status: criteria provided, multiple submitters, no conflicts (2 of 4 stars). 2 submissions from 2 submitters: Likely benign (2). Last evaluated 2025-02-10.

Conditions:
Colorectal cancer, susceptibility to, 12 (CRCS12). Also called: COLORECTAL CANCER, SUSCEPTIBILITY TO, ON CHROMOSOME 12q24. Identifiers: Orphanet 220460, MedGen C3554460, MONDO:0014038, OMIM 615083.

Submissions (2):

Myriad Genetics, Inc.
Classification: Likely benign for Colorectal cancer, susceptibility to, 12. Last evaluated: 2025-02-10. Review status: criteria provided, single submitter. Criteria: Myriad Autosomal Dominant, Autosomal Recessive and X-Linked Classification Criteria (2023). Collection method: clinical testing. Allele origin: unknown.
Comment: This variant is considered likely benign. This variant is intronic and is not expected to impact mRNA splicing.

Labcorp Genetics (formerly Invitae), Labcorp
Classification: Likely benign. Last evaluated: 2023-10-28. Review status: criteria provided, single submitter. Criteria: Invitae Variant Classification Sherloc (09022015). Collection method: clinical testing. Allele origin: germline.

NM_006231.4(POLE):c.1107-5C>T

Gene: POLE (DNA polymerase epsilon, catalytic subunit; minus strand). Cytogenetic location: 12q24.33.
Variant type: single nucleotide variant.
Coding change: c.1107-5C>T on transcript NM_006231.4 (MANE Select); 5 bases into the intron before coding-DNA position 1107, C replaced by T.
Molecular consequence: intron variant.
Genome position (GRCh38, 1-based): chr12:132,675,522, G>A on the plus strand (C>T on the coding strand, the complement: POLE is on the minus strand). VCF-style: chr12-132675522-G-A. GRCh37 (hg19) VCF-style: chr12-133252108-G-A.
Identifiers: ClinVar variation 473434 (VCV000473434.9), dbSNP rs1555229152, ClinGen allele CA658658223.